The following is an entry in ClinVar:

ClinVar aggregate classification (germline): Pathogenic (1 of 4 stars; one submission).

Conditions:
Trichorhinophalangeal dysplasia type I (TRPS1). Also called: TRICHORHINOPHALANGEAL SYNDROME, TYPE I; TRPS I. Identifiers: Orphanet 77258, MedGen C0432233, MONDO:0008596, OMIM 190350.
Trichorhinophalangeal syndrome, type III (TRPS3). Also called: SUGIO-KAJII SYNDROME. Identifiers: Orphanet 77258, MedGen C1860823, OMIM 190351, MONDO:0008597.

Submission:

Labcorp Genetics (formerly Invitae), Labcorp
Classification: Pathogenic for Trichorhinophalangeal syndrome, type III; Trichorhinophalangeal dysplasia type I. Last evaluated: 2024-02-26. Review status: criteria provided, single submitter. Criteria: Invitae Variant Classification Sherloc (09022015). Collection method: clinical testing. Allele origin: germline.
Comment: This sequence change creates a premature translational stop signal (p.Gln564*) in the TRPS1 gene. It is expected to result in an absent or disrupted protein product. Loss-of-function variants in TRPS1 are known to be pathogenic (PMID: 11112658). This variant is not present in population databases (gnomAD no frequency). This variant has not been reported in the literature in individuals affected with TRPS1-related conditions. ClinVar contains an entry for this variant (Variation ID: 1366100). For these reasons, this variant has been classified as Pathogenic.

Literature cited by the submitters: PubMed 11112658.

NM_014112.5(TRPS1):c.1690C>T (p.Gln564Ter)

Gene: TRPS1 (transcriptional repressor GATA binding 1; minus strand). Cytogenetic location: 8q23.3.
Variant type: single nucleotide variant.
Coding change: c.1690C>T on transcript NM_014112.5 (MANE Select); coding-DNA position 1690, C replaced by T.
Protein change: p.Gln564Ter; replaces glutamine 564 with a stop codon.
Molecular consequence: nonsense.
Genome position (GRCh38, 1-based): chr8:115,604,279, G>A on the plus strand (C>T on the coding strand, the complement: TRPS1 is on the minus strand). VCF-style: chr8-115604279-G-A. GRCh37 (hg19) VCF-style: chr8-116616506-G-A.
Other names: c.1663C>T, p.Gln555Ter (NM_001282902.3); c.1669C>T, p.Gln557Ter (NM_001282903.3); c.1651C>T, p.Gln551Ter (NM_001330599.2); short protein forms Q555*, Q564*, Q551*, Q557*.
Identifiers: ClinVar variation 1366100 (VCV001366100.6), dbSNP rs755557039, ClinGen allele CA372066842.